The following is an entry in ClinVar:

ClinVar aggregate classification (germline): Conflicting classifications of pathogenicity. Review status: criteria provided, conflicting classifications (1 of 4 stars). 2 submissions from 2 submitters: Uncertain significance (1); Likely benign (1). Last evaluated 2024-10-28.

Conditions:
Arrhythmogenic right ventricular dysplasia 13. Also called: Arrhythmogenic right ventricular dysplasia, familial, 13; ARRHYTHMOGENIC RIGHT VENTRICULAR CARDIOMYOPATHY 13. Identifiers: MedGen C3810138, MONDO:0000908, OMIM 615616.

Allele frequency attached by ClinVar (database versions not stated): ExAC 0.00002.
gnomAD v4.1: 4 of 1,612,474 alleles (0.00025%); highest among the groups gnomAD compares: Non-Finnish European, 0.00034%; no homozygotes.

Submissions (2):

Ambry Genetics
Classification: Likely benign. Last evaluated: 2024-10-28. Review status: criteria provided, single submitter. Criteria: Ambry Variant Classification Scheme 2023. Collection method: clinical testing. Allele origin: germline.

Labcorp Genetics (formerly Invitae), Labcorp
Classification: Uncertain significance for Arrhythmogenic right ventricular dysplasia 13. Last evaluated: 2023-05-25. Review status: criteria provided, single submitter. Criteria: Invitae Variant Classification Sherloc (09022015). Collection method: clinical testing. Allele origin: germline.
Comment: This variant is present in population databases (rs774499271, gnomAD 0.003%). This sequence change replaces asparagine, which is neutral and polar, with lysine, which is basic and polar, at codon 477 of the CTNNA3 protein (p.Asn477Lys). This variant has not been reported in the literature in individuals affected with CTNNA3-related conditions. ClinVar contains an entry for this variant (Variation ID: 2176203). Advanced modeling of protein sequence and biophysical properties (such as structural, functional, and spatial information, amino acid conservation, physicochemical variation, residue mobility, and thermodynamic stability) performed at Invitae indicates that this missense variant is not expected to disrupt CTNNA3 protein function. In summary, the available evidence is currently insufficient to determine the role of this variant in disease. Therefore, it has been classified as a Variant of Uncertain Significance.

NM_013266.4(CTNNA3):c.1431C>A (p.Asn477Lys)

Gene: CTNNA3 (catenin alpha 3; minus strand). Cytogenetic location: 10q21.3.
Variant type: single nucleotide variant.
Coding change: c.1431C>A on transcript NM_013266.4 (MANE Select); coding-DNA position 1431, C replaced by A.
Protein change: p.Asn477Lys; replaces asparagine 477 with lysine.
Molecular consequence: missense variant.
Genome position (GRCh38, 1-based): chr10:66,520,717, G>T on the plus strand (C>A on the coding strand, the complement: CTNNA3 is on the minus strand). VCF-style: chr10-66520717-G-T. GRCh37 (hg19) VCF-style: chr10-68280475-G-T.
Other names: c.1431C>A (NM_013266.2); c.1431C>A, p.Asn477Lys (NM_001127384.3); short protein forms N477K.
Identifiers: ClinVar variation 2176203 (VCV002176203.5), dbSNP rs774499271, ClinGen allele CA5519955.